The following is an entry in ClinVar:

NM_024996.7(GFM1):c.1037_1039delinsTTAGGTTCATGGGT (p.Ser346fs)

Gene: GFM1 (G elongation factor mitochondrial 1; plus strand). Cytogenetic location: 3q25.32.
Variant type: Indel.
Coding change: c.1037_1039delinsTTAGGTTCATGGGT on transcript NM_024996.7 (MANE Select); coding-DNA positions 1037 to 1039, GTA replaced by TTAGGTTCATGGGT.
Protein change: p.Ser346fs; shifts the reading frame from serine 346.
Molecular consequence: frameshift variant. On other transcripts: non-coding transcript variant (3).
Genome position (GRCh38, 1-based): chr3:158,654,585-158,654,587, GTA replaced by TTAGGTTCATGGGT. VCF-style: chr3-158654585-GTA-TTAGGTTCATGGGT. GRCh37 (hg19) VCF-style: chr3-158372374-GTA-TTAGGTTCATGGGT.
Other names: c.1094_1096delinsTTAGGTTCATGGGT, p.Ser365fs (NM_001308164.2, NM_001374355.1); c.1037_1039delinsTTAGGTTCATGGGT, p.Ser346fs (NM_001308166.2); c.920_922delinsTTAGGTTCATGGGT, p.Ser307fs (NM_001374356.1); c.812_814delinsTTAGGTTCATGGGT, p.Ser271fs (NM_001374357.1); c.578_580delinsTTAGGTTCATGGGT, p.Ser193fs (NM_001374358.1); c.470_472delinsTTAGGTTCATGGGT, p.Ser157fs (NM_001374359.1, NM_001374360.1); c.353_355delinsTTAGGTTCATGGGT, p.Ser118fs (NM_001374361.1); short protein forms S118fs, S157fs, S193fs, S271fs, S307fs, S346fs, S365fs.
Identifiers: ClinVar variation 4816177 (VCV004816177.1).

ClinVar aggregate classification (germline): Likely pathogenic (1 of 4 stars; one submission).

Conditions:
Hepatoencephalopathy due to combined oxidative phosphorylation defect type 1. Also called: HEPATOENCEPHALOPATHY, EARLY FATAL PROGRESSIVE. Identifiers: Orphanet 137681, MedGen C1836797, MONDO:0012191, OMIM 609060.

Submission:

Natera, Inc.
Classification: Likely pathogenic for Combined oxidative phosphorylation deficiency 1. Last evaluated: 2025-08-20. Review status: criteria provided, single submitter. Criteria: Natera Variant Classification Schema (03/2026). Collection method: clinical testing. Allele origin: germline.
Comment: The c.1037_1039delinsTTAGGTTCATGGGT variant in GFM1 is a frameshift variant predicted to shift the reading frame beginning at codon 346 and leads to a stop codon 13 codons downstream. This variant is expected to result in nonsense mediated decay, truncation, or a dysfunctional protein product. This variant is rare in the general population with a frequency below the threshold expected for the associated phenotype(s). Given the available evidence, this variant is classified as Likely Pathogenic.